The following is an entry in ClinVar:

ClinVar aggregate classification (germline): Likely benign (1 of 4 stars; one submission).

Allele frequency attached by ClinVar (database versions not stated): gnomAD exomes below 0.00001.
gnomAD v4.1: 3 of 1,614,000 alleles (0.00019%); highest among the groups gnomAD compares: Non-Finnish European, 0.00025%; no homozygotes.

Submission:

GeneDx
Classification: Likely benign. Last evaluated: 2018-02-14. Review status: criteria provided, single submitter. Criteria: GeneDx Variant Classification (06012015). Collection method: clinical testing. Allele origin: germline. Affected: yes.
Comment: This variant is considered likely benign or benign based on one or more of the following criteria: it is a conservative change, it occurs at a poorly conserved position in the protein, it is predicted to be benign by multiple in silico algorithms, and/or has population frequency not consistent with disease.

NM_001267550.2(TTN):c.4100G>A (p.Ser1367Asn)

Genes: TTN (titin; minus strand), LOC101927055 (uncharacterized LOC101927055; plus strand). Cytogenetic location: 2q31.2.
Variant type: single nucleotide variant.
Coding change: c.4100G>A on transcript NM_001267550.2 (MANE Select); coding-DNA position 4100, G replaced by A.
Protein change: p.Ser1367Asn; replaces serine 1367 with asparagine.
Molecular consequence: missense variant.
Genome position (GRCh38, 1-based): chr2:178,778,982, C>T on the plus strand (G>A on the coding strand, the complement: TTN is on the minus strand). VCF-style: chr2-178778982-C-T. GRCh37 (hg19) VCF-style: chr2-179643709-C-T.
Other names: c.4100G>A, p.Ser1367Asn (NM_001256850.1, NM_133378.4, NM_133379.5); c.3962G>A, p.Ser1321Asn (NM_003319.4, NM_133432.3, NM_133437.4); short protein forms S1367N, S1321N.
Identifiers: ClinVar variation 515540 (VCV000515540.1), dbSNP rs1015028448, ClinGen allele CA60978984.